The following is an entry in ClinVar:

ClinVar aggregate classification (germline): Uncertain significance (1 of 4 stars; one submission).

Allele frequency attached by ClinVar (database versions not stated): gnomAD exomes 0.00001.
gnomAD v4.1: 14 of 1,003,864 alleles (0.0014%); highest among the groups gnomAD compares: African/African-American, 0.0035%; no homozygotes.

Submission:

GeneDx
Classification: Uncertain significance. Last evaluated: 2025-03-18. Review status: criteria provided, single submitter. Criteria: GeneDx Variant Classification Process June 2021. Collection method: clinical testing. Allele origin: germline.
Comment: Reported as a variant of uncertain significance in an individual with BoschBoonstraSchaaf optic atrophy syndrome in published literature (PMID: 34837429); In silico analysis indicates that this missense variant does not alter protein structure/function; This variant is associated with the following publications: (PMID: 34837429)

NM_005654.6(NR2F1):c.73C>G (p.Pro25Ala)

Genes: NR2F1 (nuclear receptor subfamily 2 group F member 1; plus strand), NR2F1-AS1 (NR2F1 regulatory antisense RNA 1; minus strand). Cytogenetic location: 5q15.
Variant type: single nucleotide variant.
Coding change: c.73C>G on transcript NM_005654.6 (MANE Select); coding-DNA position 73, C replaced by G.
Protein change: p.Pro25Ala; replaces proline 25 with alanine.
Molecular consequence: missense variant.
Genome position (GRCh38, 1-based): chr5:93,585,096, C>G. VCF-style: chr5-93585096-C-G. GRCh37 (hg19) VCF-style: chr5-92920802-C-G.
Other names: short protein forms P25A.
Identifiers: ClinVar variation 1686772 (VCV001686772.3), dbSNP rs922976793, ClinGen allele CA123266245.